The following is an entry in ClinVar:

ClinVar aggregate classification (germline): Uncertain significance. Review status: criteria provided, multiple submitters, no conflicts (2 of 4 stars). 5 submissions from 5 submitters: Uncertain significance (4). 1 of the submissions does not count toward it. Last evaluated 2021-09-05.

Conditions:
Deficiency of alpha-mannosidase (MANSA). Also called: LYSOSOMAL ALPHA-D-MANNOSIDASE DEFICIENCY; Alpha-Mannosidosis; Mannosidosis, alpha-, types I and II. Identifiers: Orphanet 61, MedGen C0024748, MONDO:0009561, OMIM 248500.

Allele frequency attached by ClinVar (database versions not stated): gnomAD 0.00001; gnomAD exomes 0.00001; ExAC 0.00002; TOPMed 0.00002.

Submissions (5):

Genome-Nilou Lab
Classification: Uncertain significance for Deficiency of alpha-mannosidase. Last evaluated: 2021-09-05. Review status: criteria provided, single submitter. Criteria: ACMG Guidelines, 2015. Collection method: clinical testing. Allele origin: germline. Affected: no.

Labcorp Genetics (formerly Invitae), Labcorp
Classification: Uncertain significance for Deficiency of alpha-mannosidase. Last evaluated: 2021-09-01. Review status: criteria provided, single submitter. Criteria: Invitae Variant Classification Sherloc (09022015). Collection method: clinical testing. Allele origin: germline.
Comment: This sequence change replaces arginine with cysteine at codon 797 of the MAN2B1 protein (p.Arg797Cys). The arginine residue is highly conserved and there is a large physicochemical difference between arginine and cysteine. This variant is present in population databases (rs772742355, ExAC 0.003%). This variant has not been reported in the literature in individuals affected with MAN2B1-related conditions. Algorithms developed to predict the effect of missense changes on protein structure and function are either unavailable or do not agree on the potential impact of this missense change (SIFT: "Deleterious"; PolyPhen-2: "Probably Damaging"; Align-GVGD: "Class C0"). In summary, the available evidence is currently insufficient to determine the role of this variant in disease. Therefore, it has been classified as a Variant of Uncertain Significance.

Illumina Laboratory Services, Illumina
Classification: Uncertain significance for Deficiency of alpha-mannosidase. Last evaluated: 2018-01-13. Review status: criteria provided, single submitter. Criteria: ICSL Variant Classification Criteria 13 December 2019. Collection method: clinical testing. Allele origin: germline.

Breakthrough Genomics
Classification: Uncertain significance. Review status: criteria provided, single submitter. Criteria: ACMG Guidelines, 2015. Collection method: not provided. Allele origin: germline. Inheritance: Autosomal recessive inheritance. Affected: yes.

Natera, Inc.
Classification: Uncertain significance for Alpha-mannosidosis. Last evaluated: 2020-07-16. Review status: no assertion criteria provided. Collection method: clinical testing. Allele origin: germline. Not counted in ClinVar's aggregate classification.

NM_000528.4(MAN2B1):c.2389C>T (p.Arg797Cys)

Gene: MAN2B1 (mannosidase alpha class 2B member 1; minus strand). Cytogenetic location: 19p13.13.
Variant type: single nucleotide variant.
Coding change: c.2389C>T on transcript NM_000528.4 (MANE Select); coding-DNA position 2389, C replaced by T.
Protein change: p.Arg797Cys; replaces arginine 797 with cysteine.
Molecular consequence: missense variant.
Genome position (GRCh38, 1-based): chr19:12,649,183, G>A on the plus strand (C>T on the coding strand, the complement: MAN2B1 is on the minus strand). VCF-style: chr19-12649183-G-A. GRCh37 (hg19) VCF-style: chr19-12759997-G-A.
Other names: c.2386C>T, p.Arg796Cys (NM_001173498.2); short protein forms R796C, R797C.
Identifiers: ClinVar variation 892332 (VCV000892332.16), dbSNP rs772742355, ClinGen allele CA9226047.
Genomic context (GRCh38, chr19:12,649,183, plus strand): 5'-CTGACCCACTCACCATGAGCTCCAGCGAGCCATCTCTCAGGCTGCTGCCCCCCTGGGAGC[G>A]GTCAGTCAGCACAGTCAGCTGCATGTTTCCATCCTGGGAGTTGAAGGGTGAAAGTAGAGG-3'
Protein context (NP_000519.2, residues 787-807): GNMQLTVLTD[Arg797Cys]SQGGSSLRDG